The following is an entry in ClinVar:

NM_000138.5(FBN1):c.2943C>G (p.Cys981Trp)

Gene: FBN1 (fibrillin 1; minus strand). Cytogenetic location: 15q21.1.
Variant type: single nucleotide variant.
Coding change: c.2943C>G on transcript NM_000138.5 (MANE Select); coding-DNA position 2943, C replaced by G.
Protein change: p.Cys981Trp; replaces cysteine 981 with tryptophan.
Molecular consequence: missense variant.
Genome position (GRCh38, 1-based): chr15:48,489,990, G>C on the plus strand (C>G on the coding strand, the complement: FBN1 is on the minus strand). VCF-style: chr15-48489990-G-C. GRCh37 (hg19) VCF-style: chr15-48782187-G-C.
Other names: c.2943C>G, p.Cys981Trp (NM_001406716.1); short protein forms C981W.
Identifiers: ClinVar variation 2123403 (VCV002123403.4), dbSNP rs2505558311, ClinGen allele CA392329584.

ClinVar aggregate classification (germline): Pathogenic (1 of 4 stars; one submission).

Conditions:
Familial thoracic aortic aneurysm and aortic dissection (TAAD). Also called: Thoracic aortic aneurysms and dissections. Identifiers: Orphanet 91387, MedGen C4707243, MONDO:0019625.
Marfan syndrome (MFS). Also called: MARFAN SYNDROME, TYPE I; Marfan syndrome type 1; Marfan's syndrome; Marfan syndrome, classic; FBN1-Related Marfan Syndrome. Identifiers: Orphanet 284963, Orphanet 558, MedGen C0024796, MONDO:0007947, OMIM 154700.

Allele frequency attached by ClinVar (database versions not stated): gnomAD exomes below 0.00001.
gnomAD v4.1: 1 of 1,614,100 alleles (0.000062%); highest among the groups gnomAD compares: South Asian, 0.0011%; no homozygotes.

Submission:

Labcorp Genetics (formerly Invitae), Labcorp
Classification: Pathogenic for Marfan syndrome; Familial thoracic aortic aneurysm and aortic dissection. Last evaluated: 2025-03-07. Review status: criteria provided, single submitter. Criteria: Invitae Variant Classification Sherloc (09022015). Collection method: clinical testing. Allele origin: germline.
Comment: This sequence change replaces cysteine, which is neutral and slightly polar, with tryptophan, which is neutral and slightly polar, at codon 981 of the FBN1 protein (p.Cys981Trp). This variant is not present in population databases (gnomAD no frequency). This missense change has been observed in individual(s) with clinical features of FBN1-related conditions (internal data). In at least one individual the variant was observed to be de novo. ClinVar contains an entry for this variant (Variation ID: 2123403). Invitae Evidence Modeling of protein sequence and biophysical properties (such as structural, functional, and spatial information, amino acid conservation, physicochemical variation, residue mobility, and thermodynamic stability) indicates that this missense variant is expected to disrupt FBN1 protein function with a positive predictive value of 95%. This variant affects a cysteine residue in the EGF-like, TGFBP or hybrid motif domains of FBN1. Cysteine residues are believed to be involved in intramolecular disulfide bridges and have been shown to be important for FBN1 protein structure (PMID: 16905551, 19349279). In addition, missense substitutions affecting cysteine residues within these domains are significantly overrepresented among patients with Marfan syndrome (PMID: 16571647, 17701892). This variant disrupts the p.Cys981 amino acid residue in FBN1. Other variant(s) that disrupt this residue have been observed in individuals with FBN1-related conditions (PMID: 16835936), which suggests that this may be a clinically significant amino acid residue. For these reasons, this variant has been classified as Pathogenic.

Literature cited by the submitters: PubMed 16905551; PubMed 19349279; PubMed 16571647; PubMed 17701892; PubMed 16835936.